The following is an entry in ClinVar:

NM_007194.4(CHEK2):c.1364dup (p.Ser456fs)

Gene: CHEK2 (checkpoint kinase 2; minus strand). Cytogenetic location: 22q12.1.
Variant type: Duplication.
Coding change: c.1364dup on transcript NM_007194.4 (MANE Select); coding-DNA position 1364, one base duplicated (T; older notation c.1364dupT).
Protein change: p.Ser456fs; shifts the reading frame from serine 456.
Molecular consequence: frameshift variant.
Genome position (GRCh38, 1-based): chr22:28,695,138, A duplicated on the plus strand (T on the coding strand, the reverse complement: CHEK2 is on the minus strand). VCF-style (leftmost placement, unchanged base first): chr22-28695137-G-GA. GRCh37 (hg19) VCF-style: chr22-29091125-G-GA.
Other names: c.1493dup, p.Ser499Leufs (NM_001005735.3); c.701dup, p.Ser235Leufs (NM_001257387.3); c.1163dup, p.Ser389Leufs (NM_001349956.3); c.1277dup, p.Ser427Leufs (NM_145862.3); short protein forms S235fs, S427fs, S499fs, S389fs, S456fs.
Identifiers: ClinVar variation 1456516 (VCV001456516.7), dbSNP rs2145792978, ClinGen allele CA2573157985.

ClinVar aggregate classification (germline): Pathogenic/Likely pathogenic. Review status: criteria provided, multiple submitters, no conflicts (2 of 4 stars). 2 submissions from 2 submitters: Pathogenic (1); Likely pathogenic (1). Last evaluated 2022-08-25.

Conditions:
Familial cancer of breast. Also called: BREAST CANCER, FAMILIAL; hereditary breast carcinoma; Hereditary breast cancer. Identifiers: Orphanet 227535, MedGen C0346153, MONDO:0016419, OMIM 114480. Disease mechanism: loss of function.

Submissions (2):

Institute for Clinical Genetics, University Hospital TU Dresden, University Hospital TU Dresden
Classification: Likely pathogenic. Last evaluated: 2022-08-25. Review status: criteria provided, single submitter. Criteria: ACMG Guidelines, 2015. Collection method: clinical testing. Allele origin: germline.

Labcorp Genetics (formerly Invitae), Labcorp
Classification: Pathogenic for Familial cancer of breast. Last evaluated: 2020-11-14. Review status: criteria provided, single submitter. Criteria: Invitae Variant Classification Sherloc (09022015). Collection method: clinical testing. Allele origin: germline.
Comment: This variant has not been reported in the literature in individuals with CHEK2-related conditions. This variant is not present in population databases (ExAC no frequency). This sequence change creates a premature translational stop signal (p.Ser456Leufs*34) in the CHEK2 gene. It is expected to result in an absent or disrupted protein product. Loss-of-function variants in CHEK2 are known to be pathogenic (PMID: 21876083, 24713400). For these reasons, this variant has been classified as Pathogenic.

Literature cited by the submitters: PubMed 21876083 (cited by Labcorp Genetics (formerly Invitae), Labcorp); PubMed 24713400 (cited by Labcorp Genetics (formerly Invitae), Labcorp).